The following is an entry in ClinVar:

NM_016222.4(DDX41):c.200del (p.Gly67fs)

Gene: DDX41 (DEAD-box helicase 41; minus strand). Cytogenetic location: 5q35.3.
Variant type: Deletion.
Coding change: c.200del on transcript NM_016222.4 (MANE Select); coding-DNA position 200, one base deleted (G; older notation c.200delG).
Protein change: p.Gly67fs; shifts the reading frame from glycine 67.
Molecular consequence: frameshift variant. On other transcripts: 5 prime UTR variant (2).
Genome position (GRCh38, 1-based): chr5:177,516,386, C deleted on the plus strand (G on the coding strand, the reverse complement: DDX41 is on the minus strand); the first of 2 consecutive C bases (chr5:177,516,386-177,516,387); deleting either gives the same sequence. VCF-style (leftmost placement, unchanged base first): chr5-177516385-AC-A. GRCh37 (hg19) VCF-style: chr5-176943386-AC-A.
Other names: c.-179del (NM_001321732.2, NM_001321830.2); short protein forms G67fs.
Identifiers: ClinVar variation 4010245 (VCV004010245.1).

ClinVar aggregate classification (germline): Pathogenic (1 of 4 stars; one submission).

Conditions:
Inborn genetic diseases. Identifiers: MedGen C0950123, MeSH D030342.

Submission:

Ambry Genetics
Classification: Pathogenic for Inborn genetic diseases. Last evaluated: 2025-03-17. Review status: criteria provided, single submitter. Criteria: Ambry Variant Classification Scheme 2023. Collection method: clinical testing. Allele origin: germline.
Comment: The c.200delG pathogenic mutation, located in coding exon 3 of the DDX41 gene, results from a deletion of one nucleotide at nucleotide position 200, causing a translational frameshift with a predicted alternate stop codon (p.G67Vfs*13). This variant is considered to be rare based on population cohorts in the Genome Aggregation Database (gnomAD). In addition, this alteration is expected to result in loss of function by premature protein truncation or nonsense-mediated mRNA decay. As such, this alteration is interpreted as a disease-causing mutation.